The following is an entry in ClinVar:

ClinVar aggregate classification (germline): Uncertain significance (1 of 4 stars; one submission).

Submission:

Labcorp Genetics (formerly Invitae), Labcorp
Classification: Uncertain significance. Last evaluated: 2022-09-23. Review status: criteria provided, single submitter. Criteria: Invitae Variant Classification Sherloc (09022015). Collection method: clinical testing. Allele origin: germline.
Comment: In summary, the available evidence is currently insufficient to determine the role of this variant in disease. Therefore, it has been classified as a Variant of Uncertain Significance. Algorithms developed to predict the effect of missense changes on protein structure and function are either unavailable or do not agree on the potential impact of this missense change (SIFT: "Deleterious"; PolyPhen-2: "Probably Damaging"; Align-GVGD: "Class C0"). This variant has not been reported in the literature in individuals affected with MACF1-related conditions. This variant is not present in population databases (gnomAD no frequency). This sequence change replaces leucine, which is neutral and non-polar, with tryptophan, which is neutral and slightly polar, at codon 2661 of the MACF1 protein (p.Leu2661Trp).

NM_001394062.1(MACF1):c.14168T>G (p.Leu4723Trp)

Gene: MACF1 (microtubule actin crosslinking factor 1; plus strand). Cytogenetic location: 1p34.3.
Variant type: single nucleotide variant.
Coding change: c.14168T>G on transcript NM_001394062.1 (MANE Select); coding-DNA position 14168, T replaced by G.
Protein change: p.Leu4723Trp; replaces leucine 4723 with tryptophan.
Molecular consequence: missense variant.
Genome position (GRCh38, 1-based): chr1:39,385,753, T>G. VCF-style: chr1-39385753-T-G. GRCh37 (hg19) VCF-style: chr1-39851425-T-G.
Other names: c.7982T>G, p.Leu2661Trp (NM_012090.5); short protein forms L2661W, L4723W.
Identifiers: ClinVar variation 2044361 (VCV002044361.4), dbSNP rs2522623571, ClinGen allele CA339835684.